The following is an entry in ClinVar:

NM_181507.2(HPS5):c.1175C>G (p.Thr392Ser)

Gene: HPS5 (HPS5 biogenesis of lysosomal organelles complex 2 subunit 2; minus strand). Cytogenetic location: 11p15.1.
Variant type: single nucleotide variant.
Coding change: c.1175C>G on transcript NM_181507.2 (MANE Select); coding-DNA position 1175, C replaced by G.
Protein change: p.Thr392Ser; replaces threonine 392 with serine.
Molecular consequence: missense variant.
Genome position (GRCh38, 1-based): chr11:18,297,707, G>C on the plus strand (C>G on the coding strand, the complement: HPS5 is on the minus strand). VCF-style: chr11-18297707-G-C. GRCh37 (hg19) VCF-style: chr11-18319254-G-C.
Other names: c.833C>G, p.Thr278Ser (NM_007216.4, NM_181508.2); short protein forms T278S, T392S.
Identifiers: ClinVar variation 1337585 (VCV001337585.10), dbSNP rs2134343861, ClinGen allele CA379497769.

ClinVar aggregate classification (germline): Uncertain significance. Review status: criteria provided, multiple submitters, no conflicts (2 of 4 stars). 2 submissions from 2 submitters: Uncertain significance (2). Last evaluated 2021-08-30.

Submissions (2):

Labcorp Genetics (formerly Invitae), Labcorp
Classification: Uncertain significance. Last evaluated: 2021-08-30. Review status: criteria provided, single submitter. Criteria: Invitae Variant Classification Sherloc (09022015). Collection method: clinical testing. Allele origin: germline.
Comment: This sequence change replaces threonine with serine at codon 392 of the HPS5 protein (p.Thr392Ser). The threonine residue is weakly conserved and there is a small physicochemical difference between threonine and serine. This variant is not present in population databases (ExAC no frequency). This variant has not been reported in the literature in individuals affected with HPS5-related conditions. Algorithms developed to predict the effect of missense changes on protein structure and function output the following: SIFT: "Tolerated"; PolyPhen-2: "Benign"; Align-GVGD: "Class C0". The serine amino acid residue is found in multiple mammalian species, which suggests that this missense change does not adversely affect protein function. In summary, the available evidence is currently insufficient to determine the role of this variant in disease. Therefore, it has been classified as a Variant of Uncertain Significance.

Genetic Services Laboratory, University of Chicago
Classification: Uncertain significance. Last evaluated: 2020-03-30. Review status: criteria provided, single submitter. Criteria: ACMG Guidelines, 2015. Collection method: clinical testing. Allele origin: germline. Affected: no.
Comment: DNA sequence analysis of the HPS5 gene demonstrated a sequence change, c.1175C>G, in exon 11 that results in an amino acid change, p.Thr392Ser. This sequence change does not appear to have been previously described in patients with HPS5-related disorders and has also not been described as a known benign sequence change in the HPS5 gene. The p.Thr392Ser change affects a moderately conserved amino acid residue located in a domain of the HPS5 protein that is known to be functional. The p.Thr392Ser substitution appears to be benign using several in-silico pathogenicity prediction tools (SIFT, PolyPhen2, Align GVGD, REVEL). Due to these contrasting evidences and the lack of functional studies, the clinical significance of the p.Thr392Ser change remains unknown at this time.